The following is an entry in ClinVar:

NM_001904.4(CTNNB1):c.514G>A (p.Ala172Thr)

Genes: CTNNB1 (catenin beta 1; plus strand), LOC126806658 (BRD4-independent group 4 enhancer GRCh37_chr3:41265899-41267098; plus strand). Cytogenetic location: 3p22.1.
Variant type: single nucleotide variant.
Coding change: c.514G>A on transcript NM_001904.4 (MANE Select); coding-DNA position 514, G replaced by A.
Protein change: p.Ala172Thr; replaces alanine 172 with threonine.
Molecular consequence: missense variant.
Genome position (GRCh38, 1-based): chr3:41,225,352, G>A. VCF-style: chr3-41225352-G-A. GRCh37 (hg19) VCF-style: chr3-41266843-G-A.
Other names: c.514G>A, p.Ala172Thr (NM_001098209.2, NM_001098210.2); c.493G>A, p.Ala165Thr (NM_001330729.2); short protein forms A172T, A165T.
Identifiers: ClinVar variation 1496650 (VCV001496650.8), dbSNP rs2078150367, ClinGen allele CA352229476.

ClinVar aggregate classification (germline): Uncertain significance (1 of 4 stars; one submission).

Allele frequency attached by ClinVar (database versions not stated): gnomAD exomes below 0.00001; TOPMed below 0.00001; gnomAD 0.00001.
gnomAD v4.1: 2 of 1,613,938 alleles (0.00012%); highest among the groups gnomAD compares: Non-Finnish European, 0.00017%; no homozygotes.

Submission:

Labcorp Genetics (formerly Invitae), Labcorp
Classification: Uncertain significance. Last evaluated: 2023-06-13. Review status: criteria provided, single submitter. Criteria: Invitae Variant Classification Sherloc (09022015). Collection method: clinical testing. Allele origin: germline.
Comment: In summary, the available evidence is currently insufficient to determine the role of this variant in disease. Therefore, it has been classified as a Variant of Uncertain Significance. Advanced modeling of protein sequence and biophysical properties (such as structural, functional, and spatial information, amino acid conservation, physicochemical variation, residue mobility, and thermodynamic stability) performed at Invitae indicates that this missense variant is not expected to disrupt CTNNB1 protein function. ClinVar contains an entry for this variant (Variation ID: 1496650). This variant has not been reported in the literature in individuals affected with CTNNB1-related conditions. This variant is not present in population databases (gnomAD no frequency). This sequence change replaces alanine, which is neutral and non-polar, with threonine, which is neutral and polar, at codon 172 of the CTNNB1 protein (p.Ala172Thr).